The following is an entry in ClinVar:

ClinVar aggregate classification (germline): Benign/Likely benign. Review status: criteria provided, multiple submitters, no conflicts (2 of 4 stars). 4 submissions from 4 submitters: Benign (1); Likely benign (1). 2 of the submissions do not count toward it. Last evaluated 2025-02-16.

Conditions:
Leber optic atrophy (LHON). Also called: Leber hereditary optic neuropathy; Leber's disease; Leber's optic atrophy; Optic Atrophy, Hereditary, Leber. Identifiers: Orphanet 104, MedGen C0917796, MONDO:0010788, OMIM 535000, HP:0001112.
Leigh syndrome (NULS). Also called: Leigh's syndrome; Leigh Disease; Leigh's necrotizing encephalopathy; Leigh's disease; Subacute necrotizing encephalopathy; Necrotizing encephalopathy infantile subacute of Leigh. Identifiers: Orphanet 506, MedGen C2931891, MONDO:0009723, OMIM 256000.

Submissions (4):

Laboratory of Genetics, Children's Clinical University Hospital Latvia
Classification: Likely benign. Last evaluated: 2025-02-16. Review status: criteria provided, single submitter. Criteria: ACMG Guidelines, 2015. Collection method: clinical testing. Allele origin: germline. Affected: yes.

Wong Mito Lab, Molecular and Human Genetics, Baylor College of Medicine
Classification: Benign for Leigh syndrome. Last evaluated: 2019-10-17. Review status: criteria provided, single submitter. Criteria: Modified ACMG Guidelines (Unpublished). Collection method: clinical testing. Allele origin: germline.
Comment: The NC_012920.1:m.15257G>A (YP_003024038.1:p.Asp171Asn) variant in MTCYB gene is interpretated to be a Benign variant based on the modified ACMG guidelines (unpublished). This variant meets the following evidence codes: BA1

GeneReviews
Classification: Uncertain significance for Leber Hereditary Optic Neuropathy. Last evaluated: 2013-09-19. Review status: no assertion criteria provided. Collection method: curation. Allele origin: unknown. Not counted in ClinVar's aggregate classification.
ClinVar note: Converted during submission from unknown to Uncertain significance.

OMIM
Classification: Pathogenic for LEBER OPTIC ATROPHY. Last evaluated: 1996-08-01. Review status: no assertion criteria provided. Collection method: literature only. Allele origin: germline. Not counted in ClinVar's aggregate classification.

Literature cited by the submitters: PubMed 1732158 (cited by OMIM); Brown, M. D., Lott, M. T., Voljavec, A. S., Torroni, A., Wallace, D. C. Mitochondrial DNA cytochrome b mutations associated with Leber's hereditary optic neuropathy and evidence for deleterious interactions between mutations. (Abstract) Am. J. Hum. Genet. 49 (suppl.): 973, 1991. (cited by OMIM); PubMed 8240104 (cited by OMIM); PubMed 7901141 (cited by OMIM); PubMed 1764087 (cited by OMIM); PubMed 8321540 (cited by OMIM); PubMed 8755941 (cited by OMIM).

NC_012920.1(MT-CYB):m.15257G>A

Gene: MT-CYB (mitochondrially encoded cytochrome b; plus strand).
Variant type: single nucleotide variant.
Genome position: chrM-15257-G-A.
Identifiers: ClinVar variation 9674 (VCV000009674.6), dbSNP rs41518645, ClinGen allele CA340931.